The following is an entry in ClinVar:

NM_003079.5(SMARCE1):c.134C>T (p.Pro45Leu)

Gene: SMARCE1 (SWI/SNF related BAF chromatin remodeling complex subunit E1; minus strand). Cytogenetic location: 17q21.2.
Variant type: single nucleotide variant.
Coding change: c.134C>T on transcript NM_003079.5 (MANE Select); coding-DNA position 134, C replaced by T.
Protein change: p.Pro45Leu; replaces proline 45 with leucine.
Molecular consequence: missense variant.
Genome position (GRCh38, 1-based): chr17:40,642,477, G>A on the plus strand (C>T on the coding strand, the complement: SMARCE1 is on the minus strand). VCF-style: chr17-40642477-G-A. GRCh37 (hg19) VCF-style: chr17-38798729-G-A.
Other names: short protein forms P45L.
Identifiers: ClinVar variation 940881 (VCV000940881.8), dbSNP rs1249552995, ClinGen allele CA399369626.
Genomic context (GRCh38, chr17:40,642,477, plus strand): 5'-AGTTGTTTGCCGGATGCTGTAATAGTTGATTCTCCTACCGTGACCCGGCTGTTGGTGCCC[G>A]GGTTCCCTCCCAGCCTGTAGTTGTTGTAGGCGAGATGACTGTATGGATTGTATCCCACAA-3'
Protein context (NP_003070.3, residues 35-55): AYNNYRLGGN[Pro45Leu]GTNSRVTASS

ClinVar aggregate classification (germline): Uncertain significance. Review status: criteria provided, multiple submitters, no conflicts (2 of 4 stars). 2 submissions from 2 submitters: Uncertain significance (2). Last evaluated 2026-04-08.

Conditions:
Hereditary cancer-predisposing syndrome. Also called: Hereditary Cancer Syndrome; Neoplastic Syndromes, Hereditary; Tumor predisposition; Hereditary neoplastic syndrome. Identifiers: Orphanet 140162, MedGen C0027672, MeSH D009386, MONDO:0015356.
Familial meningioma. Also called: Meningioma, familial, susceptibility to. Identifiers: Orphanet 263662, MedGen C3551915, MONDO:0011789, OMIM 607174.

Allele frequency attached by ClinVar (database versions not stated): gnomAD exomes below 0.00001.

Submissions (2):

Ambry Genetics
Classification: Uncertain significance for Hereditary cancer-predisposing syndrome. Last evaluated: 2026-04-08. Review status: criteria provided, single submitter. Criteria: Ambry Variant Classification Scheme 2023. Collection method: clinical testing. Allele origin: germline.
Comment: The p.P45L variant (also known as c.134C>T), located in coding exon 3 of the SMARCE1 gene, results from a C to T substitution at nucleotide position 134. The proline at codon 45 is replaced by leucine, an amino acid with similar properties. This amino acid position is conserved. In addition, this alteration is predicted to be tolerated by in silico analysis. Based on the available evidence, the clinical significance of this variant remains unclear.

Labcorp Genetics (formerly Invitae), Labcorp
Classification: Uncertain significance for Familial meningioma. Last evaluated: 2025-03-24. Review status: criteria provided, single submitter. Criteria: Invitae Variant Classification Sherloc (09022015). Collection method: clinical testing. Allele origin: germline.
Comment: This sequence change replaces proline, which is neutral and non-polar, with leucine, which is neutral and non-polar, at codon 45 of the SMARCE1 protein (p.Pro45Leu). This variant is present in population databases (no rsID available, gnomAD 0.0009%). This variant has not been reported in the literature in individuals affected with SMARCE1-related conditions. ClinVar contains an entry for this variant (Variation ID: 940881). An algorithm developed to predict the effect of missense changes on protein structure and function (PolyPhen-2) suggests that this variant is likely to be tolerated. In summary, the available evidence is currently insufficient to determine the role of this variant in disease. Therefore, it has been classified as a Variant of Uncertain Significance.